The following is an entry in ClinVar:

NM_015662.3(IFT172):c.1326-9A>T

Gene: IFT172 (intraflagellar transport 172; minus strand). Cytogenetic location: 2p23.3.
Variant type: single nucleotide variant.
Coding change: c.1326-9A>T on transcript NM_015662.3 (MANE Select); 9 bases into the intron before coding-DNA position 1326, A replaced by T.
Molecular consequence: intron variant.
Genome position (GRCh38, 1-based): chr2:27,476,735, T>A on the plus strand (A>T on the coding strand, the complement: IFT172 is on the minus strand). VCF-style: chr2-27476735-T-A. GRCh37 (hg19) VCF-style: chr2-27699602-T-A.
Other names: c.1326-9A>T (NM_001410739.1).
Identifiers: ClinVar variation 3351428 (VCV003351428.2).

ClinVar aggregate classification (germline): Likely benign. Review status: criteria provided, single submitter (1 of 4 stars). 2 submissions from 2 submitters: Likely benign (1). 1 of the submissions does not count toward it. Last evaluated 2025-03-01.

Conditions:
IFT172-related disorder. Also called: IFT172-related disorders; IFT172-related condition.
Short-rib thoracic dysplasia 10 with or without polydactyly (SRTD10). Identifiers: Orphanet 474, MedGen C3810175, MONDO:0014284, OMIM 615630.
Retinitis pigmentosa 71 (RP71). Identifiers: Orphanet 791, MedGen C4225342, MONDO:0014618, OMIM 616394.

gnomAD v4.1: 2 of 1,607,166 alleles (0.00012%); highest among the groups gnomAD compares: Non-Finnish European, 0.00017%; no homozygotes.

Submissions (2):

Labcorp Genetics (formerly Invitae), Labcorp
Classification: Likely benign for Retinitis pigmentosa 71; Short-rib thoracic dysplasia 10 with or without polydactyly. Last evaluated: 2025-03-01. Review status: criteria provided, single submitter. Criteria: Invitae Variant Classification Sherloc (09022015). Collection method: clinical testing. Allele origin: germline.

PreventionGenetics, part of Exact Sciences
Classification: Likely benign for IFT172-related condition. Last evaluated: 2021-02-18. Review status: no assertion criteria provided. Collection method: clinical testing. Allele origin: germline. Not counted in ClinVar's aggregate classification.
Comment: This variant is classified as likely benign based on ACMG/AMP sequence variant interpretation guidelines (Richards et al. 2015 PMID: 25741868, with internal and published modifications).